The following is an entry in ClinVar:

NM_000136.3(FANCC):c.345G>A (p.Gln115=)

Gene: FANCC (FA complementation group C; minus strand). Cytogenetic location: 9q22.32.
Variant type: single nucleotide variant.
Coding change: c.345G>A on transcript NM_000136.3 (MANE Select); coding-DNA position 345, G replaced by A.
Protein change: p.Gln115=; no amino-acid change (glutamine 115 retained).
Molecular consequence: synonymous variant.
Genome position (GRCh38, 1-based): chr9:95,240,649, C>T on the plus strand (G>A on the coding strand, the complement: FANCC is on the minus strand). VCF-style: chr9-95240649-C-T. GRCh37 (hg19) VCF-style: chr9-98002931-C-T.
Other names: c.345G>A, p.Gln115= (NM_001243743.2, NM_001243744.2).
Identifiers: ClinVar variation 381083 (VCV000381083.11), dbSNP rs1031713372, ClinGen allele CA16605567.

ClinVar aggregate classification (germline): Uncertain significance. Review status: criteria provided, multiple submitters, no conflicts (2 of 4 stars). 3 submissions from 3 submitters: Uncertain significance (3). Last evaluated 2024-05-06.

Conditions:
Hereditary cancer-predisposing syndrome. Also called: Tumor predisposition; Hereditary neoplastic syndrome; Neoplastic Syndromes, Hereditary; Hereditary Cancer Syndrome. Identifiers: Orphanet 140162, MedGen C0027672, MeSH D009386, MONDO:0015356.
Fanconi anemia (FA). Also called: Fanconi's anemia. Identifiers: Orphanet 84, MedGen C0015625, MeSH D005199, MONDO:0019391.

Allele frequency attached by ClinVar (database versions not stated): gnomAD 0.00001; TOPMed 0.00001.
gnomAD v4.1: 1 of 1,597,534 alleles (0.000063%); highest among the groups gnomAD compares: Non-Finnish European, 0.000086%; no homozygotes.

Submissions (3):

GeneDx
Classification: Uncertain significance. Last evaluated: 2024-05-06. Review status: criteria provided, single submitter. Criteria: GeneDx Variant Classification Process June 2021. Collection method: clinical testing. Allele origin: germline. Affected: yes.
Comment: See Variant Classification Assertion Criteria.

Ambry Genetics
Classification: Uncertain significance for Hereditary cancer-predisposing syndrome. Last evaluated: 2024-01-25. Review status: criteria provided, single submitter. Criteria: Ambry Variant Classification Scheme 2023. Collection method: clinical testing. Allele origin: germline.
Comment: The c.345G>A variant (also known as p.Q115Q), located in coding exon 3 of the FANCC gene, results from a G to A substitution at nucleotide position 345. This nucleotide substitution does not change the at codon 115. However, this change occurs in the last base pair of coding exon 3, which makes it likely to have some effect on normal mRNA splicing. This nucleotide position is well conserved in available vertebrate species. In silico splice site analysis predicts that this alteration may weaken the native splice donor site. RNA studies have demonstrated that this alteration results in an incomplete splice defect; the clinical impact of this abnormal splicing is unknown at this time (Ambry internal data). Since supporting evidence is limited at this time, the clinical significance of this alteration remains unclear.

Labcorp Genetics (formerly Invitae), Labcorp
Classification: Uncertain significance for Fanconi anemia. Last evaluated: 2023-11-24. Review status: criteria provided, single submitter. Criteria: Invitae Variant Classification Sherloc (09022015). Collection method: clinical testing. Allele origin: germline.
Comment: This sequence change affects codon 115 of the FANCC mRNA. It is a 'silent' change, meaning that it does not change the encoded amino acid sequence of the FANCC protein. This variant also falls at the last nucleotide of exon 4, which is part of the consensus splice site for this exon. This variant is not present in population databases (gnomAD no frequency). This variant has not been reported in the literature in individuals affected with FANCC-related conditions. ClinVar contains an entry for this variant (Variation ID: 381083). Variants that disrupt the consensus splice site are a relatively common cause of aberrant splicing (PMID: 17576681, 9536098). Algorithms developed to predict the effect of sequence changes on RNA splicing suggest that this variant may disrupt the consensus splice site. In summary, the available evidence is currently insufficient to determine the role of this variant in disease. Therefore, it has been classified as a Variant of Uncertain Significance.

Literature cited by the submitters: PubMed 17576681 (cited by Labcorp Genetics (formerly Invitae), Labcorp); PubMed 9536098 (cited by Labcorp Genetics (formerly Invitae), Labcorp).